The following is an entry in ClinVar:

ClinVar aggregate classification (germline): Uncertain significance. Review status: criteria provided, multiple submitters, no conflicts (2 of 4 stars). 2 submissions from 2 submitters: Uncertain significance (2). Last evaluated 2025-06-09.

Conditions:
Lethal congenital glycogen storage disease of heart. Also called: GLYCOGEN STORAGE DISEASE OF HEART; PHOSPHORYLASE KINASE DEFICIENCY OF HEART. Identifiers: Orphanet 439854, MedGen C1849813, MONDO:0009867, OMIM 261740.

Allele frequency attached by ClinVar (database versions not stated): gnomAD 0.00001; gnomAD exomes 0.00001; TOPMed 0.00001.
gnomAD v4.1: 4 of 1,613,604 alleles (0.00025%); highest among the groups gnomAD compares: Non-Finnish European, 0.00034%; no homozygotes.

Submissions (2):

Labcorp Genetics (formerly Invitae), Labcorp
Classification: Uncertain significance for Lethal congenital glycogen storage disease of heart. Last evaluated: 2025-06-09. Review status: criteria provided, single submitter. Criteria: Invitae Variant Classification Sherloc (09022015). Collection method: clinical testing. Allele origin: germline.
Comment: This sequence change replaces proline, which is neutral and non-polar, with threonine, which is neutral and polar, at codon 88 of the PRKAG2 protein (p.Pro88Thr). This variant is not present in population databases (gnomAD no frequency). This variant has not been reported in the literature in individuals affected with PRKAG2-related conditions. ClinVar contains an entry for this variant (Variation ID: 1355383). Invitae Evidence Modeling of protein sequence and biophysical properties (such as structural, functional, and spatial information, amino acid conservation, physicochemical variation, residue mobility, and thermodynamic stability) indicates that this missense variant is not expected to disrupt PRKAG2 protein function with a negative predictive value of 95%. In summary, the available evidence is currently insufficient to determine the role of this variant in disease. Therefore, it has been classified as a Variant of Uncertain Significance.

GeneDx
Classification: Uncertain significance. Last evaluated: 2024-08-12. Review status: criteria provided, single submitter. Criteria: GeneDx Variant Classification Process June 2021. Collection method: clinical testing. Allele origin: germline. Affected: yes.
Comment: Not observed at significant frequency in large population cohorts (gnomAD); In silico analysis indicates that this missense variant does not alter protein structure/function; Has not been previously published as pathogenic or benign to our knowledge

NM_016203.4(PRKAG2):c.262C>A (p.Pro88Thr)

Gene: PRKAG2 (protein kinase AMP-activated non-catalytic subunit gamma 2; minus strand). Cytogenetic location: 7q36.1.
Variant type: single nucleotide variant.
Coding change: c.262C>A on transcript NM_016203.4 (MANE Select); coding-DNA position 262, C replaced by A.
Protein change: p.Pro88Thr; replaces proline 88 with threonine.
Molecular consequence: missense variant.
Genome position (GRCh38, 1-based): chr7:151,781,356, G>T on the plus strand (C>A on the coding strand, the complement: PRKAG2 is on the minus strand). VCF-style: chr7-151781356-G-T. GRCh37 (hg19) VCF-style: chr7-151478442-G-T.
Other names: c.262C>A (NM_016203.3); c.130C>A, p.Pro44Thr (NM_001040633.2); short protein forms P44T, P88T.
Identifiers: ClinVar variation 1355383 (VCV001355383.7), dbSNP rs1300640443, ClinGen allele CA370069802.